The following is an entry in ClinVar:

ClinVar aggregate classification (germline): Conflicting classifications of pathogenicity. Review status: criteria provided, conflicting classifications (1 of 4 stars). 5 submissions from 5 submitters: Uncertain significance (3); Likely benign (1). 1 of the submissions does not count toward it. Last evaluated 2025-12-11.

Conditions:
Familial thoracic aortic aneurysm and aortic dissection (TAAD). Also called: Thoracic aortic aneurysms and dissections. Identifiers: Orphanet 91387, MedGen C4707243, MONDO:0019625.
Ehlers-Danlos syndrome, type 4 (EDSVASC). Also called: Ehlers-Danlos syndrome vascular type; Ehlers Danlos syndrome, ecchymotic type; Ehlers Danlos syndrome, arterial type; Ehlers Danlos syndrome, Sack-Barabas type; Ehlers-Danlos Syndrome Type IV. Identifiers: Orphanet 286, MedGen C0268338, MONDO:0017314, OMIM 130050.
COL3A1-related disorder. Also called: COL3A1-related condition.

Allele frequency attached by ClinVar (database versions not stated): gnomAD exomes 0.00001 and 0.00004; TOPMed 0.00001; ExAC 0.00002.
gnomAD v4.1: 21 of 1,613,972 alleles (0.0013%); highest among the groups gnomAD compares: Admixed American, 0.0083%; no homozygotes.

Submissions (5):

Ambry Genetics
Classification: Likely benign for Familial thoracic aortic aneurysm and aortic dissection. Last evaluated: 2025-12-11. Review status: criteria provided, single submitter. Criteria: Ambry Variant Classification Scheme 2023. Collection method: clinical testing. Allele origin: germline.

Color Diagnostics, LLC DBA Color Health
Classification: Uncertain significance for Familial thoracic aortic aneurysm and aortic dissection. Last evaluated: 2025-04-14. Review status: criteria provided, single submitter. Criteria: ACMG Guidelines, 2015. Collection method: clinical testing. Allele origin: germline.
Comment: This missense variant replaces arginine with tryptophan at codon 310 of the COL3A1 protein. Computational prediction suggests that this variant may have deleterious impact on protein structure and function. To our knowledge, functional studies have not been reported for this variant. This variant has not been reported in individuals affected with COL3A1-related disorders in the literature. This variant has been identified in 9/251328 chromosomes in the general population by the Genome Aggregation Database (gnomAD). The available evidence is insufficient to determine the role of this variant in disease conclusively. Therefore, this variant is classified as a Variant of Uncertain Significance.

GeneDx
Classification: Uncertain significance. Last evaluated: 2024-12-10. Review status: criteria provided, single submitter. Criteria: GeneDx Variant Classification Process June 2021. Collection method: clinical testing. Allele origin: germline. Affected: yes.
Comment: Has not been previously published as pathogenic or benign to our knowledge; In silico analysis supports that this missense variant has a deleterious effect on protein structure/function; Occurs in the triple helical domain at the X position in the canonical Gly-X-Y repeat. Although this variant may have an effect on normal protein folding and function, missense substitution at the X position is not a common mechanism of disease (HGMD)

Labcorp Genetics (formerly Invitae), Labcorp
Classification: Uncertain significance for Ehlers-Danlos syndrome, type 4. Last evaluated: 2024-09-13. Review status: criteria provided, single submitter. Criteria: Invitae Variant Classification Sherloc (09022015). Collection method: clinical testing. Allele origin: germline.
Comment: This sequence change replaces arginine, which is basic and polar, with tryptophan, which is neutral and slightly polar, at codon 310 of the COL3A1 protein (p.Arg310Trp). This variant is present in population databases (rs757062073, gnomAD 0.02%). This variant has not been reported in the literature in individuals affected with COL3A1-related conditions. ClinVar contains an entry for this variant (Variation ID: 1214583). Invitae Evidence Modeling of protein sequence and biophysical properties (such as structural, functional, and spatial information, amino acid conservation, physicochemical variation, residue mobility, and thermodynamic stability) indicates that this missense variant is not expected to disrupt COL3A1 protein function with a negative predictive value of 95%. In summary, the available evidence is currently insufficient to determine the role of this variant in disease. Therefore, it has been classified as a Variant of Uncertain Significance.

PreventionGenetics, part of Exact Sciences
Classification: Uncertain significance for COL3A1-related condition. Last evaluated: 2024-05-03. Review status: no assertion criteria provided. Collection method: clinical testing. Allele origin: germline. Not counted in ClinVar's aggregate classification.
Comment: The COL3A1 c.928C>T variant is predicted to result in the amino acid substitution p.Arg310Trp. To our knowledge, this variant has not been reported in the literature. This variant is reported in 0.017% of alleles in individuals of Latino descent in gnomAD. At this time, the clinical significance of this variant is uncertain due to the absence of conclusive functional and genetic evidence.

NM_000090.4(COL3A1):c.928C>T (p.Arg310Trp)

Gene: COL3A1 (collagen type III alpha 1 chain; plus strand). Cytogenetic location: 2q32.2.
Variant type: single nucleotide variant.
Coding change: c.928C>T on transcript NM_000090.4 (MANE Select); coding-DNA position 928, C replaced by T.
Protein change: p.Arg310Trp; replaces arginine 310 with tryptophan.
Molecular consequence: missense variant.
Genome position (GRCh38, 1-based): chr2:188,991,699, C>T. VCF-style: chr2-188991699-C-T. GRCh37 (hg19) VCF-style: chr2-189856425-C-T.
Other names: short protein forms R310W.
Identifiers: ClinVar variation 1214583 (VCV001214583.13), dbSNP rs757062073, ClinGen allele CA077079.